The following is an entry in ClinVar:

ClinVar aggregate classification (germline): Uncertain significance (1 of 4 stars; one submission).

Conditions:
Autosomal recessive severe congenital neutropenia due to G6PC3 deficiency. Also called: NEUTROPENIA, SEVERE CONGENITAL, 4, AUTOSOMAL RECESSIVE; G6PC3 Deficiency. Identifiers: Orphanet 331176, MedGen C2751630, MONDO:0012930, OMIM 612541.

Allele frequency attached by ClinVar (database versions not stated): TOPMed 0.00001.

Submission:

Center for Genomics, Ann and Robert H. Lurie Children's Hospital of Chicago
Classification: Uncertain significance for Autosomal recessive severe congenital neutropenia due to G6PC3 deficiency. Last evaluated: 2021-03-30. Review status: criteria provided, single submitter. Criteria: ACMG Guidelines, 2015. Collection method: clinical testing. Allele origin: germline.
Comment: G6PC3 NM_138387.3 exon 5 c.677+7C>T: This variant has not been reported in the literature and is not present in large control databases. Evolutionary conservation and computational predictive tools for this variant are limited or unavailable. This variant is an intronic variant with no predicted change in the amino acid sequence but may have an unknown effect on splicing. Further studies are needed to understand its impact. In summary, data on this variant is insufficient for disease classification. Therefore, the clinical significance of this variant is uncertain.

NM_138387.4(G6PC3):c.677+7C>T

Gene: G6PC3 (glucose-6-phosphatase catalytic subunit 3; plus strand). Cytogenetic location: 17q21.31.
Variant type: single nucleotide variant.
Coding change: c.677+7C>T on transcript NM_138387.4 (MANE Select); 7 bases into the intron after coding-DNA position 677, C replaced by T.
Molecular consequence: intron variant.
Genome position (GRCh38, 1-based): chr17:44,075,458, C>T. VCF-style: chr17-44075458-C-T. GRCh37 (hg19) VCF-style: chr17-42152826-C-T.
Other names: c.332+7C>T (NM_001384168.1, NM_001384165.1, NM_001384166.1 and 1 more transcripts); c.558+7C>T (NM_001319945.2).
Identifiers: ClinVar variation 626109 (VCV000626109.2), dbSNP rs1045392209, ClinGen allele CA290850660.